The following is an entry in ClinVar:

ClinVar aggregate classification (germline): Conflicting classifications of pathogenicity. Review status: criteria provided, conflicting classifications (1 of 4 stars). 5 submissions from 4 submitters: Uncertain significance (4); Likely benign (1). Last evaluated 2024-05-30.

Conditions:
Junctional epidermolysis bullosa with pyloric atresia. Also called: Epidermolysis bullosa, junctional, with pyloric atresia and aplasia cutis congenita; Epidermolysis bullosa junctionalis with pyloric atresia; APLASIA CUTIS CONGENITA WITH GASTROINTESTINAL ATRESIA; CARMI SYNDROME; EB-PA-ACC; ITGB4-Related Epidermolysis Bullosa with Pyloric Atresia. Identifiers: Orphanet 79403, MedGen C5676875, MONDO:0009183, OMIM 226730.
Epidermolysis bullosa, junctional 5A, intermediate. Also called: EPIDERMOLYSIS BULLOSA, JUNCTIONAL 5A, GENERALIZED INTERMEDIATE; EPIDERMOLYSIS BULLOSA, JUNCTIONAL 5A, NON-HERLITZ TYPE. Identifiers: MedGen C5676956, MONDO:0030768, OMIM 619816.
Inborn genetic diseases. Identifiers: MedGen C0950123, MeSH D030342.

Allele frequency attached by ClinVar (database versions not stated): ExAC 0.00052; gnomAD 0.00024; ESP Exome Variant Server 0.00038; 1000 Genomes Project 30x 0.00094; 1000 Genomes Project 0.00080; TOPMed 0.00023.
gnomAD v4.1: 456 of 1,613,950 alleles (0.028%); highest among the groups gnomAD compares: South Asian, 0.1%; no homozygotes.

Submissions (7):

Fulgent Genetics
Classification: Uncertain significance for Junctional epidermolysis bullosa with pyloric atresia; Epidermolysis bullosa, junctional 5A, intermediate. Last evaluated: 2024-05-30. Review status: criteria provided, single submitter. Criteria: ACMG Guidelines, 2015. Collection method: clinical testing. Allele origin: germline.

Ambry Genetics
Classification: Likely benign for Inborn genetic diseases. Last evaluated: 2024-04-01. Review status: criteria provided, single submitter. Criteria: Ambry Variant Classification Scheme 2023. Collection method: clinical testing. Allele origin: germline.

Baylor Genetics
Classification: Uncertain significance for Junctional epidermolysis bullosa with pyloric atresia. Last evaluated: 2022-08-29. Review status: criteria provided, single submitter. Criteria: ACMG Guidelines, 2015. Collection method: clinical testing. Allele origin: unknown.

Baylor Genetics
Classification: Uncertain significance for Epidermolysis bullosa, junctional 5A, intermediate. Last evaluated: 2022-08-29. Review status: criteria provided, single submitter. Criteria: ACMG Guidelines, 2015. Collection method: clinical testing. Allele origin: unknown.

Labcorp Genetics (formerly Invitae), Labcorp
Classification: Uncertain significance. Last evaluated: 2021-12-19. Review status: criteria provided, single submitter. Criteria: Invitae Variant Classification Sherloc (09022015). Collection method: clinical testing. Allele origin: germline.
Comment: This sequence change replaces aspartic acid, which is acidic and polar, with asparagine, which is neutral and polar, at codon 1450 of the ITGB4 protein (p.Asp1450Asn). This variant also falls at the last nucleotide of exon 33, which is part of the consensus splice site for this exon. This variant is present in population databases (rs149237647, gnomAD 0.1%). This variant has not been reported in the literature in individuals affected with ITGB4-related conditions. Algorithms developed to predict the effect of missense changes on protein structure and function output the following: SIFT: "Not Available"; PolyPhen-2: "Benign"; Align-GVGD: "Not Available". The asparagine amino acid residue is found in multiple mammalian species, which suggests that this missense change does not adversely affect protein function. Variants that disrupt the consensus splice site are a relatively common cause of aberrant splicing (PMID: 17576681, 9536098). In summary, the available evidence is currently insufficient to determine the role of this variant in disease. Therefore, it has been classified as a Variant of Uncertain Significance.

Dr. Peter K. Rogan Lab, Western University
No classification provided (evidence only). Condition: Melanoma. Review status: no classification provided. Collection method: in vitro. Allele origin: not applicable. Functional consequence: retained intron. Not counted in ClinVar's aggregate classification.

Dr. Peter K. Rogan Lab, Western University
No classification provided (evidence only). Condition: Malignant tumor of esophagus. Review status: no classification provided. Collection method: in vitro. Allele origin: not applicable. Functional consequence: cryptic splice site, skipped exon, retained intron. Not counted in ClinVar's aggregate classification.

Literature cited by the submitters: PubMed 17576681 (cited by Labcorp Genetics (formerly Invitae), Labcorp); PubMed 9536098 (cited by Labcorp Genetics (formerly Invitae), Labcorp).

NM_000213.5(ITGB4):c.4558G>A (p.Asp1520Asn)

Genes: GALK1 (galactokinase 1; minus strand), ITGB4 (integrin subunit beta 4; plus strand). Cytogenetic location: 17q25.1.
Variant type: single nucleotide variant.
Coding change: c.4558G>A on transcript NM_000213.5 (MANE Select); coding-DNA position 4558, G replaced by A.
Protein change: p.Asp1520Asn; replaces aspartic acid 1520 with asparagine.
Molecular consequence: missense variant. On other transcripts: intron variant (1).
Genome position (GRCh38, 1-based): chr17:75,754,815, G>A. VCF-style: chr17-75754815-G-A. GRCh37 (hg19) VCF-style: chr17-73750896-G-A.
Other names: c.4348G>A (NM_001005731.1); c.*23-3078C>T (NM_001381985.1); c.4348G>A, p.Gly1450Ser (NM_001005619.2, NM_001438834.1); c.4348G>A, p.Asp1450Asn (NM_001005731.3, NM_001321123.2); short protein forms D1450N, D1520N, G1450S.
Identifiers: ClinVar variation 2051287 (VCV002051287.5), dbSNP rs149237647, ClinGen allele CA8770143.
Genomic context (GRCh38, chr17:75,754,815, plus strand): 5'-CACTCACACTCGACCACACTGCCCAGGGACTACTCCACCCTCACCTCCGTCTCCTCCCAC[G>A]GTGAGTGACCTCAGCCAACCCTGCCTCTCCCACTAACCCTTCCTCTCTTCCAGCTCCTGG-3'
Protein context (NP_000204.3, residues 1510-1530): YSTLTSVSSH[Asp1520Asn]SRLTAGVPDT